The following is an entry in ClinVar:

ClinVar aggregate classification (germline): Uncertain significance (1 of 4 stars; one submission).

Conditions:
Hereditary cancer-predisposing syndrome. Also called: Neoplastic Syndromes, Hereditary; Tumor predisposition; Hereditary Cancer Syndrome; Hereditary neoplastic syndrome. Identifiers: Orphanet 140162, MedGen C0027672, MeSH D009386, MONDO:0015356.

gnomAD v4.1: 1 of 1,613,638 alleles (0.000062%); highest among the groups gnomAD compares: South Asian, 0.0011%; no homozygotes.

Submission:

Ambry Genetics
Classification: Uncertain significance for Hereditary cancer-predisposing syndrome. Last evaluated: 2026-03-12. Review status: criteria provided, single submitter. Criteria: Ambry Variant Classification Scheme 2023. Collection method: clinical testing. Allele origin: germline.
Comment: The p.P421L variant (also known as c.1262C>T), located in coding exon 11 of the MRE11A gene, results from a C to T substitution at nucleotide position 1262. The proline at codon 421 is replaced by leucine, an amino acid with similar properties. This amino acid position is conserved. In addition, the in silico prediction for this alteration is inconclusive. Based on the available evidence, the clinical significance of this variant remains unclear.

NM_005591.4(MRE11):c.1262C>T (p.Pro421Leu)

Gene: MRE11 (MRE11 double strand break repair nuclease; minus strand). Cytogenetic location: 11q21.
Variant type: single nucleotide variant.
Coding change: c.1262C>T on transcript NM_005591.4 (MANE Select); coding-DNA position 1262, C replaced by T.
Protein change: p.Pro421Leu; replaces proline 421 with leucine.
Molecular consequence: missense variant.
Genome position (GRCh38, 1-based): chr11:94,461,000, G>A on the plus strand (C>T on the coding strand, the complement: MRE11 is on the minus strand). VCF-style: chr11-94461000-G-A. GRCh37 (hg19) VCF-style: chr11-94194166-G-A.
Other names: c.917C>T, p.Pro306Leu (NM_001440484.1, NM_001440482.1, NM_001440483.1); c.794C>T, p.Pro265Leu (NM_001440485.1, NM_001440486.1, NM_001440487.1); c.1262C>T, p.Pro421Leu (NM_005590.4, NM_001440465.1, NM_001440466.1 and 15 more transcripts); c.1187C>T, p.Pro396Leu (NM_001440471.1, NM_001440472.1, NM_001440479.1); c.1181C>T, p.Pro394Leu (NM_001440473.1, NM_001440477.1, NM_001440478.1); short protein forms P265L, P306L, P394L, P396L, P421L.
Identifiers: ClinVar variation 4826834 (VCV004826834.1).